The following is an entry in ClinVar:

ClinVar aggregate classification (germline): Uncertain significance (1 of 4 stars; one submission).

Conditions:
Familial thoracic aortic aneurysm and aortic dissection (TAAD). Also called: Thoracic aortic aneurysms and dissections. Identifiers: Orphanet 91387, MedGen C4707243, MONDO:0019625.

Submission:

Labcorp Genetics (formerly Invitae), Labcorp
Classification: Uncertain significance for Familial thoracic aortic aneurysm and aortic dissection. Last evaluated: 2023-05-19. Review status: criteria provided, single submitter. Criteria: Invitae Variant Classification Sherloc (09022015). Collection method: clinical testing. Allele origin: germline.
Comment: Advanced modeling of protein sequence and biophysical properties (such as structural, functional, and spatial information, amino acid conservation, physicochemical variation, residue mobility, and thermodynamic stability) performed at Invitae indicates that this missense variant is expected to disrupt SMAD3 protein function. In summary, the available evidence is currently insufficient to determine the role of this variant in disease. Therefore, it has been classified as a Variant of Uncertain Significance. This variant has not been reported in the literature in individuals affected with SMAD3-related conditions. This variant is not present in population databases (gnomAD no frequency). This sequence change replaces tryptophan, which is neutral and slightly polar, with arginine, which is basic and polar, at codon 395 of the SMAD3 protein (p.Trp395Arg).

NM_005902.4(SMAD3):c.1183T>A (p.Trp395Arg)

Gene: SMAD3 (SMAD family member 3; plus strand). Cytogenetic location: 15q22.33.
Variant type: single nucleotide variant.
Coding change: c.1183T>A on transcript NM_005902.4 (MANE Select); coding-DNA position 1183, T replaced by A.
Protein change: p.Trp395Arg; replaces tryptophan 395 with arginine.
Molecular consequence: missense variant.
Genome position (GRCh38, 1-based): chr15:67,190,441, T>A. VCF-style: chr15-67190441-T-A. GRCh37 (hg19) VCF-style: chr15-67482779-T-A.
Other names: c.868T>A, p.Trp290Arg (NM_001145102.2, NM_001407016.1); c.1051T>A, p.Trp351Arg (NM_001145103.2, NM_001407012.1); c.598T>A, p.Trp200Arg (NM_001145104.2, NM_001407017.1); c.1294T>A, p.Trp432Arg (NM_001407011.1); c.1045T>A, p.Trp349Arg (NM_001407013.1); c.1036T>A, p.Trp346Arg (NM_001407014.1); c.736T>A, p.Trp246Arg (NM_001407015.1); short protein forms W349R, W395R, W432R, W200R, W346R, W246R, W290R, W351R.
Identifiers: ClinVar variation 2862779 (VCV002862779.3), dbSNP rs2505322617, ClinGen allele CA392958709.